The following is an entry in ClinVar:

NM_002016.2(FLG):c.1255G>A (p.Gly419Ser)

Genes: CCDST (cervical cancer associated DHX9 suppressive transcript; plus strand), FLG (filaggrin; minus strand). Cytogenetic location: 1q21.3.
Variant type: single nucleotide variant.
Coding change: c.1255G>A on transcript NM_002016.2 (MANE Select); coding-DNA position 1255, G replaced by A.
Protein change: p.Gly419Ser; replaces glycine 419 with serine.
Molecular consequence: missense variant. On other transcripts: non-coding transcript variant (1).
Genome position (GRCh38, 1-based): chr1:152,313,631, C>T on the plus strand (G>A on the coding strand, the complement: FLG is on the minus strand). VCF-style: chr1-152313631-C-T. GRCh37 (hg19) VCF-style: chr1-152286107-C-T.
Other names: short protein forms G419S.
Identifiers: ClinVar variation 1286529 (VCV001286529.4), dbSNP rs114486119, ClinGen allele CA1107719.

ClinVar aggregate classification (germline): Benign. Review status: criteria provided, multiple submitters, no conflicts (2 of 4 stars). 3 submissions from 3 submitters: Benign (2). 1 of the submissions does not count toward it. Last evaluated 2019-02-04.

Conditions:
FLG-related disorder. Also called: FLG-related disorders; FLG-related condition.

Allele frequency attached by ClinVar (database versions not stated): gnomAD exomes 0.00145 and 0.00401; ExAC 0.00475; 1000 Genomes Project 0.01318; 1000 Genomes Project 30x 0.01343; gnomAD 0.01519 and 0.01638; ESP Exome Variant Server 0.01692; TOPMed 0.01709.
gnomAD v4.1: 4,507 of 1,613,838 alleles (0.28%); highest among the groups gnomAD compares: African/African-American, 5.2%; 108 homozygotes.

Submissions (3):

GeneDx
Classification: Benign. Last evaluated: 2019-02-04. Review status: criteria provided, single submitter. Criteria: GeneDx Variant Classification Process June 2021. Collection method: clinical testing. Allele origin: germline. Affected: yes.

Breakthrough Genomics
Classification: Benign. Review status: criteria provided, single submitter. Criteria: ACMG Guidelines, 2015. Collection method: not provided. Allele origin: germline. Inheritance: Autosomal dominant inheritance. Affected: yes.

PreventionGenetics, part of Exact Sciences
Classification: Benign for FLG-related condition. Last evaluated: 2019-11-08. Review status: no assertion criteria provided. Collection method: clinical testing. Allele origin: germline. Not counted in ClinVar's aggregate classification.
Comment: This variant is classified as benign based on ACMG/AMP sequence variant interpretation guidelines (Richards et al. 2015 PMID: 25741868, with internal and published modifications).